The following is an entry in ClinVar:

NM_147686.4(TRAF3IP2):c.869T>G (p.Ile290Ser)

Genes: TRAF3IP2 (TRAF3 interacting protein 2; minus strand), TRAF3IP2-AS1 (TRAF3IP2 antisense RNA 1; plus strand). Cytogenetic location: 6q21.
Variant type: single nucleotide variant.
Coding change: c.869T>G on transcript NM_147686.4 (MANE Select); coding-DNA position 869, T replaced by G.
Protein change: p.Ile290Ser; replaces isoleucine 290 with serine.
Molecular consequence: missense variant.
Genome position (GRCh38, 1-based): chr6:111,580,350, A>C on the plus strand (T>G on the coding strand, the complement: TRAF3IP2 is on the minus strand). VCF-style: chr6-111580350-A-C. GRCh37 (hg19) VCF-style: chr6-111901553-A-C.
Other names: c.869T>G (NM_147686.2); c.869T>G, p.Ile290Ser (NM_001164281.3); c.896T>G, p.Ile299Ser (NM_147200.3); short protein forms I290S, I299S.
Identifiers: ClinVar variation 1675146 (VCV001675146.10), dbSNP rs200074354, ClinGen allele CA3963230.
Genomic context (GRCh38, chr6:111,580,350, plus strand): 5'-ACAGGGTGCAGGCCTCTCACACTGGCTCCAGGCAGGGGCTGCCCAGGCAGAGCCGGCTGG[A>C]TCACTTGCTGGTAGGCTGCTCGAGGGTAGTCATGGCCATCTGTAGGTGAAGACAACAAAG-3'
Protein context (NP_679211.2, residues 280-300): DYPRAAYQQV[Ile290Ser]QPALPGQPLP

ClinVar aggregate classification (germline): Uncertain significance. Review status: criteria provided, multiple submitters, no conflicts (2 of 4 stars). 3 submissions from 3 submitters: Uncertain significance (3). Last evaluated 2025-10-14.

Conditions:
Candidiasis, familial, 8 (CANDF8). Identifiers: Orphanet 1334, MedGen C3714992, MONDO:0014230, OMIM 615527.
Psoriasis 13, susceptibility to. Identifiers: MedGen C3279754, MONDO:0013554, OMIM 614070.

Allele frequency attached by ClinVar (database versions not stated): gnomAD 0.00001 and 0.00002; gnomAD exomes 0.00004 and 0.00003; ExAC 0.00007; TOPMed 0.00002; 1000 Genomes Project 0.00020; 1000 Genomes Project 30x 0.00016.
gnomAD v4.1: 41 of 1,589,884 alleles (0.0026%); highest among the groups gnomAD compares: Middle Eastern, 0.017%; no homozygotes.

Submissions (3):

Ambry Genetics
Classification: Uncertain significance. Last evaluated: 2025-10-14. Review status: criteria provided, single submitter. Criteria: Ambry Variant Classification Scheme 2023. Collection method: clinical testing. Allele origin: germline.

Labcorp Genetics (formerly Invitae), Labcorp
Classification: Uncertain significance for Candidiasis, familial, 8. Last evaluated: 2022-06-18. Review status: criteria provided, single submitter. Criteria: Invitae Variant Classification Sherloc (09022015). Collection method: clinical testing. Allele origin: germline.
Comment: In summary, the available evidence is currently insufficient to determine the role of this variant in disease. Therefore, it has been classified as a Variant of Uncertain Significance. Algorithms developed to predict the effect of missense changes on protein structure and function (SIFT, PolyPhen-2, Align-GVGD) all suggest that this variant is likely to be tolerated. This variant has not been reported in the literature in individuals affected with TRAF3IP2-related conditions. The frequency data for this variant in the population databases is considered unreliable, as metrics indicate poor data quality at this position in the gnomAD database. This sequence change replaces isoleucine, which is neutral and non-polar, with serine, which is neutral and polar, at codon 290 of the TRAF3IP2 protein (p.Ile290Ser).

Center for Genomics, Ann and Robert H. Lurie Children's Hospital of Chicago
Classification: Uncertain significance for Candidiasis, familial, 8; Psoriasis 13, susceptibility to. Review status: criteria provided, single submitter. Criteria: ACMG Guidelines, 2015. Collection method: clinical testing. Allele origin: germline.
Comment: TRAF3IP2 NM_147686.3 exon 3 p.Ile290Ser (c.869T>G): This variant has not been reported in the literature but is present in 0.004% (3/68032) of European alleles in the Genome Aggregation Database. Evolutionary conservation and computational predictive tools suggest that this variant may not impact the protein. Of note, although this variant occurs in the exon, computational prediction tools suggest that it may impact splicing. Further studies are needed to understand its impact. In summary, data on this variant is insufficient for disease classification. Therefore, the clinical significance of this variant is uncertain.